The following is an entry in ClinVar:

ClinVar aggregate classification (germline): Uncertain significance. Review status: criteria provided, multiple submitters, no conflicts (2 of 4 stars). 3 submissions from 3 submitters: Uncertain significance (3). Last evaluated 2023-03-28.

Conditions:
Ornithine carbamoyltransferase deficiency (OTCD). Also called: ORNITHINE TRANSCARBAMYLASE DEFICIENCY; ORNITHINE TRANSCARBAMYLASE DEFICIENCY, HYPERAMMONEMIA DUE TO; OTC DEFICIENCY; Ornithine Carbamoyltransferase Deficiency Disease. Identifiers: Orphanet 664, MedGen C0268542, MONDO:0010703, OMIM 311250.

Submissions (3):

All of Us Research Program, National Institutes of Health
Classification: Uncertain significance for Ornithine carbamoyltransferase deficiency. Last evaluated: 2023-03-28. Review status: criteria provided, single submitter. Criteria: ACMG Guidelines, 2015. Collection method: clinical testing. Allele origin: germline. Inheritance: X-linked inheritance. Observed: 1 variant allele, 1 heterozygote.
Comment: This study involves interpretation of variants in research participants for the purpose of population health screening. Participant phenotype was not available at the time of variant classification. Additional details can be found in publication PMID: 35346344, PMCID: PMC8962531

Illumina Laboratory Services, Illumina
Classification: Uncertain significance for Ornithine carbamoyltransferase deficiency. Last evaluated: 2021-04-07. Review status: criteria provided, single submitter. Criteria: ICSLVariantClassificationCriteria RUGD 01 April 2020. Collection method: clinical testing. Allele origin: unknown.
Comment: The OTC c.974C>T (p.Pro325Leu) variant is a missense variant. A literature search was conducted for the gene, cDNA change, and amino acid change. No publications were identified through this search. This variant is not found in version 2.1.1 or version 3.1.1 of the Genome Aggregation Database despite its location in a region of good sequencing coverage, which suggests the variant is rare. In silico tools differ in their predictions of the functional consequence of this variant. Based on the available evidence, the p.Pro325Leu variant is classified as a variant of uncertain significance for ornithine transcarbamylase deficiency.

Mendelics
Classification: Uncertain significance for Ornithine carbamoyltransferase deficiency. Last evaluated: 2019-05-28. Review status: criteria provided, single submitter. Criteria: Mendelics Assertion Criteria 2017. Collection method: clinical testing. Allele origin: unknown.

NM_000531.6(OTC):c.974C>T (p.Pro325Leu)

Gene: OTC (ornithine transcarbamylase; plus strand). Cytogenetic location: Xp11.4.
Variant type: single nucleotide variant.
Coding change: c.974C>T on transcript NM_000531.6 (MANE Select); coding-DNA position 974, C replaced by T.
Protein change: p.Pro325Leu; replaces proline 325 with leucine.
Molecular consequence: missense variant.
Genome position (GRCh38, 1-based): chrX:38,411,968, C>T. VCF-style: chrX-38411968-C-T. GRCh37 (hg19) VCF-style: chrX-38271221-C-T.
Other names: short protein forms P325L.
Identifiers: ClinVar variation 803979 (VCV000803979.6), dbSNP rs1602034625, ClinGen allele CA412726677.